The following is an entry in ClinVar:

GRCh37/hg19 16q24.3(chr16:89270492-89490401)x1

Genes: ANKRD11 (ankyrin repeat domain 11; minus strand), ZNF778 (zinc finger protein 778; plus strand). Cytogenetic location: 16q24.3.
Variant type: copy number loss.
Change: copy number 1 (one copy instead of two) of chr16:89,270,492-89,490,401 (219.9 kb, GRCh37 coordinates, 1-based), cytogenetic band 16q24.3.
Identifiers: ClinVar variation 4682888 (VCV004682888.1).

ClinVar aggregate classification (germline): Pathogenic (1 of 4 stars; one submission).

Submission:

Quest Diagnostics Nichols Institute San Juan Capistrano
Classification: Pathogenic. Last evaluated: 2024-09-11. Review status: criteria provided, single submitter. Criteria: ACMG/ClinGen CNV Guidelines, 2019. Collection method: clinical testing. Allele origin: unknown.
Comment: This 16q24.3 loss involves ZNF778 and all but the first non-coding exon (NM_013275.6) of ANKRD11 (OMIM 611192). Haploinsufficiency of ANKRD11 is associated with autosomal dominant KBG syndrome (OMIM 148050; HGNC:21316). Presentation of KBG syndrome has been reported to vary significantly, even within families, and underdiagnosis has been suggested since many of the features may be mild (Bestetti 2022, Goldenberg 2016, Swols 2018). Thus, based on gene content and current medical literature, this copy number variant (CNV) is classified as pathogenic. References: Bestetti et al., Int J Mol Sci. 2022 May 25;23(11):5912. PMID: 35682590 Goldenberg et al., Am J Med Genet A. 2016 Nov;170(11):2847-2859. PMID: 27605097 Swols et al., GeneReviews [2018 March 22]. PMID: 29565525